The following is an entry in ClinVar:

NM_017654.4(SAMD9):c.2767CTT[1] (p.Leu924del)

Gene: SAMD9 (sterile alpha motif domain containing 9; minus strand). Cytogenetic location: 7q21.2.
Variant type: Microsatellite.
Coding change: c.2767CTT[1] on transcript NM_017654.4 (MANE Select); one copy of the 3-base unit CTT starting at c.2767; the reference has two copies in a row; one copy, 3 bases deleted.
Protein change: p.Leu924del; deletes leucine 924.
Molecular consequence: inframe deletion.
Genome position (GRCh38, 1-based): chr7:93,103,326-93,103,328, AAG deleted on the plus strand (CTT on the coding strand, the reverse complement: SAMD9 is on the minus strand); deleting any 3 consecutive bases within chr7:93,103,326-93,103,332 gives the same sequence; the position shown is the placement nearest the transcript's 3' end. VCF-style (leftmost placement, unchanged base first): chr7-93103325-TAAG-T. GRCh37 (hg19) VCF-style: chr7-92732638-TAAG-T.
Other names: c.2767CTT[1], p.Leu924del (NM_001193307.2); short protein forms L924del.
Identifiers: ClinVar variation 2728121 (VCV002728121.3), dbSNP rs2535357386, ClinGen allele CA2578939267.

ClinVar aggregate classification (germline): Uncertain significance (1 of 4 stars; one submission).

Submission:

Labcorp Genetics (formerly Invitae), Labcorp
Classification: Uncertain significance. Last evaluated: 2023-10-30. Review status: criteria provided, single submitter. Criteria: Invitae Variant Classification Sherloc (09022015). Collection method: clinical testing. Allele origin: germline.
Comment: This variant, c.2770_2772del, results in the deletion of 1 amino acid(s) of the SAMD9 protein (p.Leu924del), but otherwise preserves the integrity of the reading frame. This variant is not present in population databases (gnomAD no frequency). This variant has not been reported in the literature in individuals affected with SAMD9-related conditions. Experimental studies and prediction algorithms are not available or were not evaluated, and the functional significance of this variant is currently unknown. In summary, the available evidence is currently insufficient to determine the role of this variant in disease. Therefore, it has been classified as a Variant of Uncertain Significance.